The following is an entry in ClinVar:

NM_198253.3(TERT):c.2130G>A (p.Lys710=)

Gene: TERT (telomerase reverse transcriptase; minus strand). Cytogenetic location: 5p15.33.
Variant type: single nucleotide variant.
Coding change: c.2130G>A on transcript NM_198253.3 (MANE Select); coding-DNA position 2130, G replaced by A.
Protein change: p.Lys710=; no amino-acid change (lysine 710 retained).
Molecular consequence: synonymous variant. On other transcripts: non-coding transcript variant (2).
Genome position (GRCh38, 1-based): chr5:1,279,291, C>T on the plus strand (G>A on the coding strand, the complement: TERT is on the minus strand). VCF-style: chr5-1279291-C-T. GRCh37 (hg19) VCF-style: chr5-1279406-C-T.
Other names: c.2130G>A, p.Lys710= (NM_001193376.3, NM_003219.1).
Identifiers: ClinVar variation 2942071 (VCV002942071.3), dbSNP rs2478274527, ClinGen allele CA443024711.

ClinVar aggregate classification (germline): Uncertain significance (1 of 4 stars; one submission).

Conditions:
Dyskeratosis congenita, autosomal dominant 2. Identifiers: MedGen C3151443, MONDO:0013521, OMIM 613989.
Idiopathic Pulmonary Fibrosis. Also called: Idiopathic fibrosing alveolitis, chronic form; idiopathic fibrosing alveolitis. Identifiers: Orphanet 2032, MedGen C1800706, MeSH D054990, MONDO:0800504.

Allele frequency attached by ClinVar (database versions not stated): gnomAD exomes below 0.00001.
gnomAD v4.1: 1 of 1,577,902 alleles (0.000063%); highest among the groups gnomAD compares: Non-Finnish European, 0.000086%; no homozygotes.

Submission:

Labcorp Genetics (formerly Invitae), Labcorp
Classification: Uncertain significance for Dyskeratosis congenita, autosomal dominant 2; Idiopathic Pulmonary Fibrosis. Last evaluated: 2025-09-04. Review status: criteria provided, single submitter. Criteria: Invitae Variant Classification Sherloc (09022015). Collection method: clinical testing. Allele origin: germline.
Comment: This sequence change affects codon 710 of the TERT mRNA. It is a 'silent' change, meaning that it does not change the encoded amino acid sequence of the TERT protein. This variant also falls at the last nucleotide of exon 5, which is part of the consensus splice site for this exon. This variant is not present in population databases (gnomAD no frequency). This variant has not been reported in the literature in individuals affected with TERT-related conditions. ClinVar contains an entry for this variant (Variation ID: 2942071). Variants that disrupt the consensus splice site are a relatively common cause of aberrant splicing (PMID: 17576681, 9536098). Algorithms developed to predict the effect of sequence changes on RNA splicing suggest that this variant may disrupt the consensus splice site. In summary, the available evidence is currently insufficient to determine the role of this variant in disease. Therefore, it has been classified as a Variant of Uncertain Significance.

Literature cited by the submitters: PubMed 17576681; PubMed 9536098.